The following is an entry in ClinVar:

ClinVar aggregate classification (germline): Likely benign. Review status: criteria provided, multiple submitters, no conflicts (2 of 4 stars). 2 submissions from 2 submitters: Likely benign (2). Last evaluated 2026-05-01.

gnomAD v4.1: 65 of 398,862 alleles (0.016%); highest among the groups gnomAD compares: South Asian, 0.038%; no homozygotes.

Submissions (2):

CeGaT Center for Human Genetics Tuebingen
Classification: Likely benign. Last evaluated: 2026-05-01. Review status: criteria provided, single submitter. Criteria: CeGaT Center For Human Genetics Tuebingen Variant Classification Criteria Version 2. Collection method: clinical testing. Allele origin: germline. Affected: yes. Observed: 1 variant allele.
Comment: KCNQ1OT1: BS2

Blueprint Genetics
Classification: Likely benign. Last evaluated: 2024-10-09. Review status: criteria provided, single submitter. Criteria: ACMG Guidelines, 2015. Collection method: clinical testing. Allele origin: germline.

NM_000218.3(KCNQ1):c.1394-7316C>T

Genes: KCNQ1 (potassium voltage-gated channel subfamily Q member 1; plus strand), KCNQ1OT1 (KCNQ1 opposite strand/antisense transcript 1; minus strand). Cytogenetic location: 11p15.5.
Variant type: single nucleotide variant.
Coding change: c.1394-7316C>T on transcript NM_000218.3 (MANE Select); 7316 bases into the intron before coding-DNA position 1394, C replaced by T.
Molecular consequence: intron variant. On other transcripts: non-coding transcript variant (1).
Genome position (GRCh38, 1-based): chr11:2,654,645, C>T. VCF-style: chr11-2654645-C-T. GRCh37 (hg19) VCF-style: chr11-2675875-C-T.
Other names: c.1124-7316C>T (NM_001406837.1); c.1298-7316C>T (NM_001406836.1); c.854-7316C>T (NM_001406838.1); c.1013-7316C>T (NM_181798.2).
Identifiers: ClinVar variation 4873913 (VCV004873913.3).